The following is an entry in ClinVar:

ClinVar aggregate classification (germline): Uncertain significance (1 of 4 stars; one submission).

Conditions:
Inborn genetic diseases. Identifiers: MedGen C0950123, MeSH D030342.

Submission:

Ambry Genetics
Classification: Uncertain significance for Inborn genetic diseases. Last evaluated: 2020-12-08. Review status: criteria provided, single submitter. Criteria: Ambry Variant Classification Scheme 2023. Collection method: clinical testing. Allele origin: germline.
Comment: The c.80_97del18insAT variant, located in coding exon 1 of the TARDBP gene, results from the deletion of 18 nucleotides and insertion of two nucleotides causing a translational frameshift with a predicted alternate stop codon (p.L27Hfs*20). This alteration is expected to result in premature protein truncation or nonsense-mediated mRNA decay. However, loss of function of TARDBP has not been clearly established as a mechanism of disease. Since supporting evidence is limited at this time, the clinical significance of this alteration remains unclear.

NM_007375.4(TARDBP):c.80_97delinsAT (p.Leu27fs)

Gene: TARDBP (TAR DNA binding protein; plus strand). Cytogenetic location: 1p36.22.
Variant type: Indel.
Coding change: c.80_97delinsAT on transcript NM_007375.4 (MANE Select); coding-DNA positions 80 to 97, TGCTCTCCACGGTTACAG replaced by AT.
Protein change: p.Leu27fs; shifts the reading frame from leucine 27.
Molecular consequence: frameshift variant.
Genome position (GRCh38, 1-based): chr1:11,013,807-11,013,824, TGCTCTCCACGGTTACAG replaced by AT. VCF-style: chr1-11013807-TGCTCTCCACGGTTACAG-AT. GRCh37 (hg19) VCF-style: chr1-11073864-TGCTCTCCACGGTTACAG-AT.
Other names: short protein forms L27fs.
Identifiers: ClinVar variation 1761611 (VCV001761611.2), dbSNP rs2521258138, ClinGen allele CA2580060482.